The following is an entry in ClinVar:

ClinVar aggregate classification (germline): Uncertain significance (1 of 4 stars; one submission).

Conditions:
Hereditary cancer-predisposing syndrome. Also called: Hereditary Cancer Syndrome; Tumor predisposition; Hereditary neoplastic syndrome; Neoplastic Syndromes, Hereditary. Identifiers: Orphanet 140162, MedGen C0027672, MeSH D009386, MONDO:0015356.

Submission:

Ambry Genetics
Classification: Uncertain significance for Hereditary cancer-predisposing syndrome. Last evaluated: 2024-06-27. Review status: criteria provided, single submitter. Criteria: Ambry Variant Classification Scheme 2023. Collection method: clinical testing. Allele origin: germline.
Comment: The p.D1198G variant (also known as c.3593A>G), located in coding exon 17 of the MET gene, results from an A to G substitution at nucleotide position 3593. The aspartic acid at codon 1198 is replaced by glycine, an amino acid with similar properties. This amino acid position is conserved. In addition, this alteration is predicted to be deleterious by in silico analysis. Based on the available evidence, the clinical significance of this variant remains unclear.

NM_000245.4(MET):c.3539A>G (p.Asp1180Gly)

Gene: MET (MET proto-oncogene, receptor tyrosine kinase; plus strand). Cytogenetic location: 7q31.2.
Variant type: single nucleotide variant.
Coding change: c.3539A>G on transcript NM_000245.4 (MANE Select); coding-DNA position 3539, A replaced by G.
Protein change: p.Asp1180Gly; replaces aspartic acid 1180 with glycine.
Molecular consequence: missense variant.
Genome position (GRCh38, 1-based): chr7:116,782,004, A>G. VCF-style: chr7-116782004-A-G. GRCh37 (hg19) VCF-style: chr7-116422058-A-G.
Other names: c.3593A>G, p.Asp1198Gly (NM_001127500.3); c.2249A>G, p.Asp750Gly (NM_001324402.2); short protein forms D1180G, D1198G, D750G.
Identifiers: ClinVar variation 3395104 (VCV003395104.1).